The following is an entry in ClinVar:

ClinVar aggregate classification (germline): Conflicting classifications of pathogenicity. Review status: criteria provided, conflicting classifications (1 of 4 stars). 11 submissions from 11 submitters: Uncertain significance (2); Benign (2); Likely benign (4). 3 of the submissions do not count toward it. Last evaluated 2026-08-01.

Conditions:
KIF1C-related disorder. Also called: KIF1C-related condition.
Spastic ataxia 2. Also called: Ataxia, spastic, 2, autosomal recessive. Identifiers: Orphanet 397946, MedGen C1969796, MONDO:0012651, OMIM 611302.
Hereditary spastic paraplegia. Also called: Familial spastic paraparesis. Identifiers: Orphanet 685, MedGen C0037773, MONDO:0019064. Disease mechanism: loss of function.

Allele frequency attached by ClinVar (database versions not stated): 1000 Genomes Project 30x 0.00156; 1000 Genomes Project 0.00160; gnomAD exomes 0.00292 and 0.00497; ESP Exome Variant Server 0.00315; ExAC 0.00318; TOPMed 0.00320; gnomAD 0.00323 and 0.00336.
gnomAD v4.1: 7,737 of 1,614,030 alleles (0.48%); highest among the groups gnomAD compares: Non-Finnish European, 0.6%; 30 homozygotes.

Submissions (11):

CeGaT Center for Human Genetics Tuebingen
Classification: Likely benign. Last evaluated: 2026-08-01. Review status: criteria provided, single submitter. Criteria: CeGaT Center For Human Genetics Tuebingen Variant Classification Criteria Version 2. Collection method: clinical testing. Allele origin: germline. Affected: yes. Observed: 22 variant alleles.
Comment: KIF1C: BS2

Labcorp Genetics (formerly Invitae), Labcorp
Classification: Benign for Spastic ataxia 2. Last evaluated: 2026-01-19. Review status: criteria provided, single submitter. Criteria: Invitae Variant Classification Sherloc (09022015). Collection method: clinical testing. Allele origin: germline.

Blueprint Genetics
Classification: Likely benign. Last evaluated: 2024-11-01. Review status: criteria provided, single submitter. Criteria: ACMG Guidelines, 2015. Collection method: clinical testing. Allele origin: germline.

Mayo Clinic Laboratories, Mayo Clinic
Classification: Benign. Last evaluated: 2023-12-07. Review status: criteria provided, single submitter. Criteria: ACMG Guidelines, 2015. Collection method: clinical testing. Allele origin: germline. Observed: 3 variant alleles.
Comment: BS1, BS2

Genome Diagnostics Laboratory, The Hospital for Sick Children
Classification: Uncertain significance for Hereditary spastic paraplegia. Last evaluated: 2022-01-21. Review status: criteria provided, single submitter. Criteria: ACMG Guidelines, 2015. Collection method: clinical testing. Allele origin: germline. Affected: yes.

Victorian Clinical Genetics Services, Murdoch Childrens Research Institute
Classification: Likely benign for Spastic ataxia 2. Last evaluated: 2020-10-19. Review status: criteria provided, single submitter. Criteria: ACMG Guidelines, 2015. Collection method: clinical testing. Allele origin: germline. Inheritance: Autosomal recessive inheritance.
Comment: Based on the classification scheme VCGS_Germline_v1.3.3, this variant is classified as likely benign. Following criteria are met: 0102 - Loss of function is a known mechanism of disease in this gene and is associated with spastic ataxia 2 (MIM#611302). (I) 0106 - This gene is associated with autosomal recessive disease. (I) 0200 - Variant is predicted to result in a missense amino acid change from proline to leucine. (I) 0251 - This variant is heterozygous. (I) 0308 - Population frequency for this variant is out of keeping with known incidence of spastic ataxia 2 (MIM#611302). (SB) 0502 - Missense variant with conflicting in silico predictions and uninformative conservation. (I) 0604 - Variant is not located in an established domain, motif, hotspot or informative constraint region. (I) 0705 - No comparable missense variants have previous evidence for pathogenicity. (I) 0808 - Previous reports of pathogenicity for this variant are conflicting. The most recent entries in Clinvar have classified this variant as either likely benign or a variant of uncertain significance (ClinVar). (I) 0905 - No published segregation evidence has been identified for this variant. (I) 1007 - No published functional evidence has been identified for this variant. (I) 1208 - Inheritance information for this variant is not currently available in this individual. (I) Legend: (SP) - Supporting pathogenic, (I) - Information, (SB) - Supporting benign

GeneDx
Classification: Likely benign. Last evaluated: 2020-10-08. Review status: criteria provided, single submitter. Criteria: GeneDx Variant Classification Process June 2021. Collection method: clinical testing. Allele origin: germline. Affected: yes.
Comment: This variant is associated with the following publications: (PMID: 26633545)

Baylor Genetics
Classification: Uncertain significance for Spastic ataxia 2. Review status: criteria provided, single submitter. Criteria: ACMG Guidelines, 2015. Collection method: clinical testing. Allele origin: unknown. Study: Adult_WES.

PreventionGenetics, part of Exact Sciences
Classification: Likely benign for KIF1C-related condition. Last evaluated: 2020-10-28. Review status: no assertion criteria provided. Collection method: clinical testing. Allele origin: germline. Not counted in ClinVar's aggregate classification.
Comment: This variant is classified as likely benign based on ACMG/AMP sequence variant interpretation guidelines (Richards et al. 2015 PMID: 25741868, with internal and published modifications).

Clinical Genetics DNA and cytogenetics Diagnostics Lab, Erasmus MC, Erasmus Medical Center
Classification: Likely benign. Review status: no assertion criteria provided. Collection method: clinical testing. Allele origin: germline. Affected: yes. Study: VKGL Data-share Consensus. Not counted in ClinVar's aggregate classification.

Genome Diagnostics Laboratory, University Medical Center Utrecht
Classification: Likely benign. Review status: no assertion criteria provided. Collection method: clinical testing. Allele origin: germline. Affected: yes. Study: VKGL Data-share Consensus. Not counted in ClinVar's aggregate classification.

Literature cited by the submitters: PubMed 26633545 (cited by Baylor Genetics).

NM_006612.6(KIF1C):c.2099C>T (p.Pro700Leu)

Gene: KIF1C (kinesin family member 1C; plus strand). Cytogenetic location: 17p13.2.
Variant type: single nucleotide variant.
Coding change: c.2099C>T on transcript NM_006612.6 (MANE Select); coding-DNA position 2099, C replaced by T.
Protein change: p.Pro700Leu; replaces proline 700 with leucine.
Molecular consequence: missense variant.
Genome position (GRCh38, 1-based): chr17:5,022,180, C>T. VCF-style: chr17-5022180-C-T. GRCh37 (hg19) VCF-style: chr17-4925475-C-T.
Other names: p.Pro700Leu; short protein forms P700L.
Identifiers: ClinVar variation 209166 (VCV000209166.92), dbSNP rs148934699, ClinGen allele CA250364.